The following is an entry in ClinVar:

NM_006642.5(SDCCAG8):c.420+1G>C

Gene: SDCCAG8 (SHH signaling and ciliogenesis regulator SDCCAG8; plus strand). Cytogenetic location: 1q43.
Variant type: single nucleotide variant.
Coding change: c.420+1G>C on transcript NM_006642.5 (MANE Select); the canonical splice donor site of the intron after coding-DNA position 420, G replaced by C.
Molecular consequence: splice donor variant.
Genome position (GRCh38, 1-based): chr1:243,274,657, G>C. VCF-style: chr1-243274657-G-C. GRCh37 (hg19) VCF-style: chr1-243437959-G-C.
Other names: c.126+1G>C (NM_001350249.2); c.-954+1G>C (NM_001350251.2); c.420+1G>C (NM_001350248.2, NM_006642.3); c.-693+1G>C (NM_001350246.2); c.-581+1G>C (NM_001350247.2).
Identifiers: ClinVar variation 1978801 (VCV001978801.6), dbSNP rs959585740, ClinGen allele CA40413669.

ClinVar aggregate classification (germline): Likely pathogenic. Review status: criteria provided, multiple submitters, no conflicts (2 of 4 stars). 3 submissions from 3 submitters: Likely pathogenic (3). Last evaluated 2026-07-29.

Conditions:
SDCCAG8-related disorder. Also called: SDCCAG8-Related Disorders; SDCCAG8-related condition.
Senior-Loken syndrome 7 (SLSN7). Identifiers: Orphanet 3156, MedGen C3150877, MONDO:0013326, OMIM 613615.
Bardet-Biedl syndrome 16 (BBS16). Identifiers: Orphanet 110, MedGen C3889474, MONDO:0014444, OMIM 615993.

Allele frequency attached by ClinVar (database versions not stated): TOPMed below 0.00001; gnomAD 0.00001.
gnomAD v4.1: 5 of 1,520,664 alleles (0.00033%); highest among the groups gnomAD compares: Admixed American, 0.005%; no homozygotes.

Submissions (3):

PreventionGenetics, part of Exact Sciences
Classification: Likely pathogenic for SDCCAG8-related condition. Last evaluated: 2026-07-29. Review status: criteria provided, single submitter. Criteria: ACMG Guidelines, 2015. Collection method: clinical testing. Allele origin: germline.
Comment: The SDCCAG8 c.420+1G>C variant is predicted to disrupt the GT donor site and interfere with normal splicing. To our knowledge, this variant has not been reported in the literature or in a large population database (gnomAD), indicating this variant is rare. Variants that disrupt the consensus splice donor site in SDCCAG8 are expected to be pathogenic. This variant is interpreted as likely pathogenic.

Labcorp Genetics (formerly Invitae), Labcorp
Classification: Likely pathogenic for Bardet-Biedl syndrome 16; Senior-Loken syndrome 7. Last evaluated: 2025-12-17. Review status: criteria provided, single submitter. Criteria: Invitae Variant Classification Sherloc (09022015). Collection method: clinical testing. Allele origin: germline.
Comment: This sequence change affects a donor splice site in intron 4 of the SDCCAG8 gene. It is expected to disrupt RNA splicing. Variants that disrupt the donor or acceptor splice site typically lead to a loss of protein function (PMID: 16199547), and loss-of-function variants in SDCCAG8 are known to be pathogenic (PMID: 20835237, 22190896). This variant is not present in population databases (gnomAD no frequency). This variant has not been reported in the literature in individuals affected with SDCCAG8-related conditions. ClinVar contains an entry for this variant (Variation ID: 1978801). Algorithms developed to predict the effect of sequence changes on RNA splicing suggest that this variant may disrupt the consensus splice site. In summary, the currently available evidence indicates that the variant is pathogenic, but additional data are needed to prove that conclusively. Therefore, this variant has been classified as Likely Pathogenic.

Fulgent Genetics
Classification: Likely pathogenic for Senior-Loken syndrome 7; Bardet-Biedl syndrome 16. Last evaluated: 2024-04-16. Review status: criteria provided, single submitter. Criteria: ACMG Guidelines, 2015. Collection method: clinical testing. Allele origin: germline.

Literature cited by the submitters: PubMed 16199547 (cited by Labcorp Genetics (formerly Invitae), Labcorp); PubMed 20835237 (cited by Labcorp Genetics (formerly Invitae), Labcorp); PubMed 22190896 (cited by Labcorp Genetics (formerly Invitae), Labcorp).